The following is an entry in ClinVar:

NM_022817.3(PER2):c.1992G>A (p.Ala664=)

Gene: PER2 (period circadian regulator 2; minus strand). Cytogenetic location: 2q37.3.
Variant type: single nucleotide variant.
Coding change: c.1992G>A on transcript NM_022817.3 (MANE Select); coding-DNA position 1992, G replaced by A.
Protein change: p.Ala664=; no amino-acid change (alanine 664 retained).
Molecular consequence: synonymous variant.
Genome position (GRCh38, 1-based): chr2:238,256,995, C>T on the plus strand (G>A on the coding strand, the complement: PER2 is on the minus strand). VCF-style: chr2-238256995-C-T. GRCh37 (hg19) VCF-style: chr2-239165636-C-T.
Identifiers: ClinVar variation 3055371 (VCV003055371.2), dbSNP rs2304670, ClinGen allele CA2197217.

ClinVar aggregate classification (germline): Benign (0 of 4 stars; one submission).

Conditions:
PER2-related disorder. Also called: PER2-related condition.

Allele frequency attached by ClinVar (database versions not stated): TOPMed 0.08890; gnomAD exomes 0.09114; 1000 Genomes Project 0.09345; ESP Exome Variant Server 0.09449; 1000 Genomes Project 30x 0.09510; gnomAD 0.09781; ExAC 0.10138.
gnomAD v4.1: 148,392 of 1,613,452 alleles (9.2%); highest among the groups gnomAD compares: South Asian, 14%; 7,586 homozygotes.

Submission:

PreventionGenetics, part of Exact Sciences
Classification: Benign for PER2-related condition. Last evaluated: 2019-11-11. Review status: no assertion criteria provided. Collection method: clinical testing. Allele origin: germline.
Comment: This variant is classified as benign based on ACMG/AMP sequence variant interpretation guidelines (Richards et al. 2015 PMID: 25741868, with internal and published modifications).